The following is an entry in ClinVar:

NM_001367479.1(DNAH14):c.9006G>T (p.Arg3002Ser)

Gene: DNAH14 (dynein axonemal heavy chain 14; plus strand). Cytogenetic location: 1q42.12.
Variant type: single nucleotide variant.
Coding change: c.9006G>T on transcript NM_001367479.1 (MANE Select); coding-DNA position 9006, G replaced by T.
Protein change: p.Arg3002Ser; replaces arginine 3002 with serine.
Molecular consequence: missense variant.
Genome position (GRCh38, 1-based): chr1:225,307,461, G>T. VCF-style: chr1-225307461-G-T. GRCh37 (hg19) VCF-style: chr1-225495163-G-T.
Other names: NM_001373.1:c.8727G>T; short protein forms R3002S.
Identifiers: ClinVar variation 3770093 (VCV003770093.2).

ClinVar aggregate classification (germline): Uncertain significance (1 of 4 stars; one submission).

gnomAD v4.1: 144 of 1,522,560 alleles (0.0095%); highest among the groups gnomAD compares: Non-Finnish European, 0.012%; no homozygotes.

Submission:

GeneDx
Classification: Uncertain significance. Last evaluated: 2026-05-20. Review status: criteria provided, single submitter. Criteria: GeneDx Variant Classification Process June 2021. Collection method: clinical testing. Allele origin: germline.
Comment: In silico analysis supports that this missense variant has a deleterious effect on protein structure/function; Has not been previously published as pathogenic or benign to our knowledge